The following is an entry in ClinVar:

NM_000179.3(MSH6):c.1657A>C (p.Thr553Pro)

Gene: MSH6 (mutS homolog 6; plus strand). Cytogenetic location: 2p16.3.
Variant type: single nucleotide variant.
Coding change: c.1657A>C on transcript NM_000179.3 (MANE Select); coding-DNA position 1657, A replaced by C.
Protein change: p.Thr553Pro; replaces threonine 553 with proline.
Molecular consequence: missense variant.
Genome position (GRCh38, 1-based): chr2:47,799,640, A>C. VCF-style: chr2-47799640-A-C. GRCh37 (hg19) VCF-style: chr2-48026779-A-C.
Other names: c.1267A>C, p.Thr423Pro (NM_001281492.2); c.751A>C, p.Thr251Pro (NM_001281493.2, NM_001281494.2); short protein forms T553P, T251P, T423P.
Identifiers: ClinVar variation 620605 (VCV000620605.13), dbSNP rs1294509946, ClinGen allele CA346747306.

ClinVar aggregate classification (germline): Conflicting classifications of pathogenicity. Review status: criteria provided, conflicting classifications (1 of 4 stars). 4 submissions from 4 submitters: Uncertain significance (3); Likely benign (1). Last evaluated 2025-10-13.

Conditions:
Lynch syndrome. Identifiers: Orphanet 144, MedGen C4552100, MONDO:0005835. Disease mechanism: loss of function.
Hereditary cancer-predisposing syndrome. Also called: Tumor predisposition; Hereditary Cancer Syndrome; Neoplastic Syndromes, Hereditary; Hereditary neoplastic syndrome. Identifiers: Orphanet 140162, MedGen C0027672, MeSH D009386, MONDO:0015356.
Endometrial carcinoma. Also called: Endometrial carcinoma, somatic. Identifiers: MedGen C0476089, MONDO:0002447, OMIM 608089, HP:0012114.
Hereditary nonpolyposis colorectal neoplasms. Identifiers: MedGen C0009405, MeSH D003123.

Allele frequency attached by ClinVar (database versions not stated): TOPMed below 0.00001.
gnomAD v4.1: 1 of 1,613,972 alleles (0.000062%); highest among the groups gnomAD compares: Admixed American, 0.0017%; no homozygotes.

Submissions (4):

Labcorp Genetics (formerly Invitae), Labcorp
Classification: Likely benign for Hereditary nonpolyposis colorectal neoplasms. Last evaluated: 2025-10-13. Review status: criteria provided, single submitter. Criteria: Invitae Variant Classification Sherloc (09022015). Collection method: clinical testing. Allele origin: germline.

Ambry Genetics
Classification: Uncertain significance for Hereditary cancer-predisposing syndrome. Last evaluated: 2025-05-07. Review status: criteria provided, single submitter. Criteria: Ambry Variant Classification Scheme 2023. Collection method: clinical testing. Allele origin: germline.
Comment: The p.T553P variant (also known as c.1657A>C), located in coding exon 4 of the MSH6 gene, results from an A to C substitution at nucleotide position 1657. The threonine at codon 553 is replaced by proline, an amino acid with highly similar properties. This amino acid position is not well conserved in available vertebrate species. In addition, this alteration is predicted to be tolerated by in silico analysis. Based on the available evidence, the clinical significance of this variant remains unclear.

Baylor Genetics
Classification: Uncertain significance for Endometrial carcinoma. Last evaluated: 2023-09-01. Review status: criteria provided, single submitter. Criteria: ACMG Guidelines, 2015. Collection method: clinical testing. Allele origin: unknown.

St. Jude Molecular Pathology, St. Jude Children's Research Hospital
Classification: Uncertain significance for Lynch syndrome. Last evaluated: 2020-10-15. Review status: criteria provided, single submitter. Criteria: St. Jude Assertion Criteria 2020. Collection method: clinical testing. Allele origin: germline.
Comment: The MSH6 c.1657A>C (p.Thr553Pro) missense change has a maximum subpopulation frequency of 0.0029% in gnomAD v2.1.1 (PM2_Supporting). Five of seven in silico tools predict a benign effect of this variant on protein function (BP4), but these predictions have not been confirmed by functional studies. To our knowledge, this variant has not been reported in individuals with Lynch syndrome or CMMRD. In summary, this variant meets criteria to be classified as of uncertain significance based on the ACMG/AMP criteria: PM2_Supporting, BP4.